The following is an entry in ClinVar:

ClinVar aggregate classification (germline): Pathogenic (1 of 4 stars; one submission).

Submission:

Labcorp Genetics (formerly Invitae), Labcorp
Classification: Pathogenic. Last evaluated: 2021-03-24. Review status: criteria provided, single submitter. Criteria: Invitae Variant Classification Sherloc (09022015). Collection method: clinical testing. Allele origin: germline.
Comment: For these reasons, this variant has been classified as Pathogenic. This variant has not been reported in the literature in individuals with TBCK-related conditions. This variant is not present in population databases (ExAC no frequency). This sequence change creates a premature translational stop signal (p.Asn417Ilefs*12) in the TBCK gene. It is expected to result in an absent or disrupted protein product. Loss-of-function variants in TBCK are known to be pathogenic (PMID: 27040692, 30103036).

Literature cited by the submitters: PubMed 27040692; PubMed 30103036.

NM_001163435.3(TBCK):c.1250del (p.Asn417fs)

Gene: TBCK (TBC1 domain containing kinase; minus strand). Cytogenetic location: 4q24.
Variant type: Deletion.
Coding change: c.1250del on transcript NM_001163435.3 (MANE Select); coding-DNA position 1250, one base deleted (A; older notation c.1250delA).
Protein change: p.Asn417fs; shifts the reading frame from asparagine 417.
Molecular consequence: frameshift variant.
Genome position (GRCh38, 1-based): chr4:106,236,490, T deleted on the plus strand (A on the coding strand, the reverse complement: TBCK is on the minus strand); the first of 2 consecutive T bases (chr4:106,236,490-106,236,491); deleting either gives the same sequence. VCF-style (leftmost placement, unchanged base first): chr4-106236489-AT-A. GRCh37 (hg19) VCF-style: chr4-107157646-AT-A.
Other names: c.1250del, p.Asn417fs (NM_001163436.4); c.1133del, p.Asn378fs (NM_001163437.3); c.734del, p.Asn245fs (NM_001290768.2); c.1061del, p.Asn354fs (NM_033115.5); short protein forms N245fs, N354fs, N417fs, N378fs.
Identifiers: ClinVar variation 1451785 (VCV001451785.6), dbSNP rs2150010421, ClinGen allele CA2573137926.